The following is an entry in ClinVar:

ClinVar aggregate classification (germline): Uncertain significance (1 of 4 stars; one submission).

Conditions:
Townes syndrome (TBS). Also called: Townes-Brocks syndrome. Identifiers: Orphanet 857, MedGen C0265246, MeSH C536974, MONDO:0007142.

gnomAD v4.1: 6 of 1,614,090 alleles (0.00037%); highest among the groups gnomAD compares: Admixed American, 0.005%; no homozygotes.

Submission:

Labcorp Genetics (formerly Invitae), Labcorp
Classification: Uncertain significance for Townes syndrome. Last evaluated: 2025-12-14. Review status: criteria provided, single submitter. Criteria: Invitae Variant Classification Sherloc (09022015). Collection method: clinical testing. Allele origin: germline.
Comment: This sequence change replaces isoleucine, which is neutral and non-polar, with valine, which is neutral and non-polar, at codon 710 of the SALL1 protein (p.Ile710Val). This variant is present in population databases (rs753959858, gnomAD 0.009%). This variant has not been reported in the literature in individuals affected with SALL1-related conditions. Invitae Evidence Modeling of protein sequence and biophysical properties (such as structural, functional, and spatial information, amino acid conservation, physicochemical variation, residue mobility, and thermodynamic stability) indicates that this missense variant is not expected to disrupt SALL1 protein function with a negative predictive value of 80%. In summary, the available evidence is currently insufficient to determine the role of this variant in disease. Therefore, it has been classified as a Variant of Uncertain Significance.

NM_002968.3(SALL1):c.2128A>G (p.Ile710Val)

Gene: SALL1 (spalt like transcription factor 1; minus strand). Cytogenetic location: 16q12.1.
Variant type: single nucleotide variant.
Coding change: c.2128A>G on transcript NM_002968.3 (MANE Select); coding-DNA position 2128, A replaced by G.
Protein change: p.Ile710Val; replaces isoleucine 710 with valine.
Molecular consequence: missense variant.
Genome position (GRCh38, 1-based): chr16:51,140,094, T>C on the plus strand (A>G on the coding strand, the complement: SALL1 is on the minus strand). VCF-style: chr16-51140094-T-C. GRCh37 (hg19) VCF-style: chr16-51174005-T-C.
Other names: c.1837A>G, p.Ile613Val (NM_001127892.2); short protein forms I613V, I710V.
Identifiers: ClinVar variation 4709319 (VCV004709319.1).
Genomic context (GRCh38, chr16:51,140,094, plus strand): 5'-CAGTGTGTGTCCTGTAGTGCATTTTCAAGGCGCTCTGGCAGCTGAGAACCCGGTGGCAGA[T>C]GATGCACTCATTGGGGTCAGTGGCCTTCTTGTCAATGTTTTCTACCAGTTGCTGAAGCTT-3'
Protein context (NP_002959.2, residues 700-720): KKATDPNECI[Ile710Val]CHRVLSCQSA